The following is an entry in ClinVar:

NM_016343.4(CENPF):c.4892C>T (p.Thr1631Met)

Gene: CENPF (centromere protein F; plus strand). Cytogenetic location: 1q41.
Variant type: single nucleotide variant.
Coding change: c.4892C>T on transcript NM_016343.4 (MANE Select); coding-DNA position 4892, C replaced by T.
Protein change: p.Thr1631Met; replaces threonine 1631 with methionine.
Molecular consequence: missense variant.
Genome position (GRCh38, 1-based): chr1:214,643,230, C>T. VCF-style: chr1-214643230-C-T. GRCh37 (hg19) VCF-style: chr1-214816573-C-T.
Other names: short protein forms T1631M.
Identifiers: ClinVar variation 1336994 (VCV001336994.8), dbSNP rs769388025, ClinGen allele CA1390676.

ClinVar aggregate classification (germline): Uncertain significance. Review status: criteria provided, multiple submitters, no conflicts (2 of 4 stars). 4 submissions from 4 submitters: Uncertain significance (4). Last evaluated 2026-09-03.

Conditions:
CENPF-related disorder. Also called: CENPF-related condition.

Allele frequency attached by ClinVar (database versions not stated): gnomAD exomes 0.00002 and 0.00005; gnomAD 0.00003; TOPMed 0.00005; ExAC 0.00006.
gnomAD v4.1: 45 of 1,599,846 alleles (0.0028%); highest among the groups gnomAD compares: Middle Eastern, 0.017%; no homozygotes.

Submissions (4):

PreventionGenetics, part of Exact Sciences
Classification: Uncertain significance for CENPF-related condition. Last evaluated: 2026-09-03. Review status: criteria provided, single submitter. Criteria: ACMG Guidelines, 2015. Collection method: clinical testing. Allele origin: germline.
Comment: The CENPF c.4892C>T variant is predicted to result in the amino acid substitution p.Thr1631Met. To our knowledge, this variant has not been reported in the literature. This variant is reported in 0.0096% of alleles in individuals of Latino descent in gnomAD. This variant has an interpretation of uncertain significance in ClinVar (Variation ID: 1336994). At this time, the clinical significance of this variant is uncertain due to the absence of conclusive functional and genetic evidence.

Blueprint Genetics
Classification: Uncertain significance. Last evaluated: 2024-11-26. Review status: criteria provided, single submitter. Criteria: ACMG Guidelines, 2015. Collection method: clinical testing. Allele origin: germline.

Women's Health and Genetics/Laboratory Corporation of America, LabCorp
Classification: Uncertain significance. Last evaluated: 2024-06-10. Review status: criteria provided, single submitter. Criteria: LabCorp Variant Classification Summary - May 2015. Collection method: clinical testing. Allele origin: germline.
Comment: Variant summary: CENPF c.4892C>T (p.Thr1631Met) results in a non-conservative amino acid change in the encoded protein sequence. Three of four in-silico tools predict a damaging effect of the variant on protein function. The variant allele was found at a frequency of 5.1e-05 in 235664 control chromosomes. This frequency is not significantly higher than estimated for a pathogenic variant in CENPF causing Stromme Syndrome, allowing no conclusion about variant significance. To our knowledge, no occurrence of c.4892C>T in individuals affected with Stromme Syndrome and no experimental evidence demonstrating its impact on protein function have been reported. ClinVar contains an entry for this variant (Variation ID: 1336994). Based on the evidence outlined above, the variant was classified as uncertain significance.

Genetic Services Laboratory, University of Chicago
Classification: Uncertain significance. Last evaluated: 2019-01-18. Review status: criteria provided, single submitter. Criteria: ACMG Guidelines, 2015. Collection method: clinical testing. Allele origin: germline. Affected: no.